The following is an entry in ClinVar:

ClinVar aggregate classification (germline): Uncertain significance (1 of 4 stars; one submission).

gnomAD v4.1: 9 of 1,613,634 alleles (0.00056%); highest among the groups gnomAD compares: Non-Finnish European, 0.00068%; no homozygotes.

Submission:

Ambry Genetics
Classification: Uncertain significance. Last evaluated: 2025-03-16. Review status: criteria provided, single submitter. Criteria: Ambry Variant Classification Scheme 2023. Collection method: clinical testing. Allele origin: germline.
Comment: The p.R241G variant (also known as c.721C>G), located in coding exon 7 of the SRP72 gene, results from a C to G substitution at nucleotide position 721. The arginine at codon 241 is replaced by glycine, an amino acid with dissimilar properties. This amino acid position is conserved. In addition, the in silico prediction for this alteration is inconclusive. Based on the available evidence, the clinical significance of this variant remains unclear.

NM_006947.4(SRP72):c.721C>G (p.Arg241Gly)

Gene: SRP72 (signal recognition particle 72; plus strand). Cytogenetic location: 4q12.
Variant type: single nucleotide variant.
Coding change: c.721C>G on transcript NM_006947.4 (MANE Select); coding-DNA position 721, C replaced by G.
Protein change: p.Arg241Gly; replaces arginine 241 with glycine.
Molecular consequence: missense variant. On other transcripts: non-coding transcript variant (1), intron variant (1).
Genome position (GRCh38, 1-based): chr4:56,478,457, C>G. VCF-style: chr4-56478457-C-G. GRCh37 (hg19) VCF-style: chr4-57344623-C-G.
Other names: c.642+1755C>G (NM_001267722.2); short protein forms R241G.
Identifiers: ClinVar variation 3962023 (VCV003962023.1).